The following is an entry in ClinVar:

ClinVar aggregate classification (germline): Uncertain significance (1 of 4 stars; one submission).

Conditions:
SHORT syndrome. Also called: LIPODYSTROPHY, PARTIAL, WITH RIEGER ANOMALY AND SHORT STATURE; PIK3R1-Related SHORT Syndrome; SHORT STATURE, HYPEREXTENSIBILITY, HERNIA, OCULAR DEPRESSION, RIEGER ANOMALY, AND TEETHING DELAY. Identifiers: Orphanet 3163, MedGen C0878684, MONDO:0010026, OMIM 269880.
Agammaglobulinemia 7, autosomal recessive (AGM7). Also called: AGAMMAGLOBULINEMIA, AUTOSOMAL RECESSIVE, DUE TO PIK3R1 DEFECT. Identifiers: MedGen C3554689, MONDO:0014083, OMIM 615214.
Immunodeficiency 36 with lymphoproliferation. Also called: Immunodeficiency 36; ACTIVATED PI3K-DELTA SYNDROME 2; Activated PI3K Delta Syndrome Type 2 (APDS2). Identifiers: Orphanet 397596, Orphanet 693681, MedGen C4014934, MONDO:0014453, OMIM 616005.

Submission:

Labcorp Genetics (formerly Invitae), Labcorp
Classification: Uncertain significance for SHORT syndrome; Immunodeficiency 36 with lymphoproliferation; Agammaglobulinemia 7, autosomal recessive. Last evaluated: 2022-10-27. Review status: criteria provided, single submitter. Criteria: Invitae Variant Classification Sherloc (09022015). Collection method: clinical testing. Allele origin: germline.
Comment: This sequence change replaces aspartic acid, which is acidic and polar, with asparagine, which is neutral and polar, at codon 173 of the PIK3R1 protein (p.Asp173Asn). This variant is not present in population databases (gnomAD no frequency). This variant has not been reported in the literature in individuals affected with PIK3R1-related conditions. Algorithms developed to predict the effect of missense changes on protein structure and function are either unavailable or do not agree on the potential impact of this missense change (SIFT: "Deleterious"; PolyPhen-2: "Possibly Damaging"; Align-GVGD: "Class C0"). In summary, the available evidence is currently insufficient to determine the role of this variant in disease. Therefore, it has been classified as a Variant of Uncertain Significance.

NM_181523.3(PIK3R1):c.517G>A (p.Asp173Asn)

Gene: PIK3R1 (phosphoinositide-3-kinase regulatory subunit 1; plus strand). Cytogenetic location: 5q13.1.
Variant type: single nucleotide variant.
Coding change: c.517G>A on transcript NM_181523.3 (MANE Select); coding-DNA position 517, G replaced by A.
Protein change: p.Asp173Asn; replaces aspartic acid 173 with asparagine.
Molecular consequence: missense variant.
Genome position (GRCh38, 1-based): chr5:68,279,616, G>A. VCF-style: chr5-68279616-G-A. GRCh37 (hg19) VCF-style: chr5-67575444-G-A.
Other names: short protein forms D173N.
Identifiers: ClinVar variation 2940897 (VCV002940897.3), dbSNP rs1746736851, ClinGen allele CA359873726.
Genomic context (GRCh38, chr5:68,279,616, plus strand): 5'-ATTCTATAAAATAAATGTCTGAAATATTTCTTAAATTGTTTCCTAGATACACCCTCCGTG[G>A]ACTTGGAAATGATCGATGTGCACGTTTTGGCTGACGCTTTCAAACGCTATCTCCTGGACT-3'
Protein context (NP_852664.1, residues 163-183): QLLDCDTPSV[Asp173Asn]LEMIDVHVLA